The following is an entry in ClinVar:

NM_012301.4(MAGI2):c.1332C>G (p.Asp444Glu)

Gene: MAGI2 (membrane associated guanylate kinase, WW and PDZ domain containing 2; minus strand). Cytogenetic location: 7q21.11.
Variant type: single nucleotide variant.
Coding change: c.1332C>G on transcript NM_012301.4 (MANE Select); coding-DNA position 1332, C replaced by G.
Protein change: p.Asp444Glu; replaces aspartic acid 444 with glutamic acid.
Molecular consequence: missense variant.
Genome position (GRCh38, 1-based): chr7:78,343,854, G>C on the plus strand (C>G on the coding strand, the complement: MAGI2 is on the minus strand). VCF-style: chr7-78343854-G-C. GRCh37 (hg19) VCF-style: chr7-77973171-G-C.
Other names: c.1332C>G, p.Asp444Glu (NM_001301128.2); short protein forms D444E.
Identifiers: ClinVar variation 2420959 (VCV002420959.6), dbSNP rs368034452, ClinGen allele CA368005328.

ClinVar aggregate classification (germline): Uncertain significance (1 of 4 stars; one submission).

gnomAD v4.1: 9 of 1,612,998 alleles (0.00056%); highest among the groups gnomAD compares: Non-Finnish European, 0.00051%; no homozygotes.

Submission:

Labcorp Genetics (formerly Invitae), Labcorp
Classification: Uncertain significance. Last evaluated: 2022-06-27. Review status: criteria provided, single submitter. Criteria: Invitae Variant Classification Sherloc (09022015). Collection method: clinical testing. Allele origin: germline.
Comment: In summary, the available evidence is currently insufficient to determine the role of this variant in disease. Therefore, it has been classified as a Variant of Uncertain Significance. Algorithms developed to predict the effect of missense changes on protein structure and function (SIFT, PolyPhen-2, Align-GVGD) all suggest that this variant is likely to be disruptive. This variant has not been reported in the literature in individuals affected with MAGI2-related conditions. This variant is not present in population databases (gnomAD no frequency). This sequence change replaces aspartic acid, which is acidic and polar, with glutamic acid, which is acidic and polar, at codon 444 of the MAGI2 protein (p.Asp444Glu).